The following is an entry in ClinVar:

ClinVar aggregate classification (germline): Uncertain significance. Review status: criteria provided, multiple submitters, no conflicts (2 of 4 stars). 2 submissions from 2 submitters: Uncertain significance (2). Last evaluated 2025-04-02.

Conditions:
Dyskeratosis congenita, autosomal dominant 2. Identifiers: MedGen C3151443, MONDO:0013521, OMIM 613989.
Idiopathic Pulmonary Fibrosis. Also called: Idiopathic fibrosing alveolitis, chronic form; idiopathic fibrosing alveolitis. Identifiers: Orphanet 2032, MedGen C1800706, MeSH D054990, MONDO:0800504.
Dyskeratosis congenita. Identifiers: Orphanet 1775, MedGen C0265965, MONDO:0015780.

Allele frequency attached by ClinVar (database versions not stated): gnomAD exomes below 0.00001; ExAC 0.00002.
gnomAD v4.1: 2 of 1,609,258 alleles (0.00012%); highest among the groups gnomAD compares: South Asian, 0.0011%; no homozygotes.

Submissions (2):

Ambry Genetics
Classification: Uncertain significance for Dyskeratosis congenita. Last evaluated: 2025-04-02. Review status: criteria provided, single submitter. Criteria: Ambry Variant Classification Scheme 2023. Collection method: clinical testing. Allele origin: germline.
Comment: The c.2287-3C>T intronic variant results from a C to T substitution 3 nucleotides upstream from coding exon 7 in the TERT gene. This nucleotide position is highly conserved in available vertebrate species. In silico splice site analysis for this alteration is inconclusive. Based on the available evidence, the clinical significance of this variant remains unclear.

Labcorp Genetics (formerly Invitae), Labcorp
Classification: Uncertain significance for Dyskeratosis congenita, autosomal dominant 2; Idiopathic Pulmonary Fibrosis. Last evaluated: 2023-07-19. Review status: criteria provided, single submitter. Criteria: Invitae Variant Classification Sherloc (09022015). Collection method: clinical testing. Allele origin: germline.
Comment: This sequence change falls in intron 6 of the TERT gene. It does not directly change the encoded amino acid sequence of the TERT protein. It affects a nucleotide within the consensus splice site. This variant is present in population databases (rs775070951, gnomAD 0.007%). This variant has not been reported in the literature in individuals affected with TERT-related conditions. ClinVar contains an entry for this variant (Variation ID: 1401864). Variants that disrupt the consensus splice site are a relatively common cause of aberrant splicing (PMID: 17576681, 9536098). Algorithms developed to predict the effect of sequence changes on RNA splicing suggest that this variant is not likely to affect RNA splicing. In summary, the available evidence is currently insufficient to determine the role of this variant in disease. Therefore, it has been classified as a Variant of Uncertain Significance.

Literature cited by the submitters: PubMed 17576681 (cited by Labcorp Genetics (formerly Invitae), Labcorp); PubMed 9536098 (cited by Labcorp Genetics (formerly Invitae), Labcorp).

NM_198253.3(TERT):c.2287-3C>T

Gene: TERT (telomerase reverse transcriptase; minus strand). Cytogenetic location: 5p15.33.
Variant type: single nucleotide variant.
Coding change: c.2287-3C>T on transcript NM_198253.3 (MANE Select); 3 bases into the intron before coding-DNA position 2287, C replaced by T.
Molecular consequence: intron variant.
Genome position (GRCh38, 1-based): chr5:1,272,283, G>A on the plus strand (C>T on the coding strand, the complement: TERT is on the minus strand). VCF-style: chr5-1272283-G-A. GRCh37 (hg19) VCF-style: chr5-1272398-G-A.
Other names: c.2287-3C>T (NM_001193376.3, NM_198253.2).
Identifiers: ClinVar variation 1401864 (VCV001401864.7), dbSNP rs775070951, ClinGen allele CA3184580.